The following is an entry in ClinVar:

ClinVar aggregate classification (germline): Conflicting classifications of pathogenicity. Review status: criteria provided, conflicting classifications (1 of 4 stars). 7 submissions from 7 submitters: Uncertain significance (5); Likely benign (1). 1 of the submissions does not count toward it. Last evaluated 2025-12-16.

Conditions:
Hereditary cancer-predisposing syndrome. Also called: Hereditary Cancer Syndrome; Hereditary neoplastic syndrome; Neoplastic Syndromes, Hereditary; Tumor predisposition. Identifiers: Orphanet 140162, MedGen C0027672, MeSH D009386, MONDO:0015356.
Breast-ovarian cancer, familial, susceptibility to, 1 (BROVCA1). Also called: BRCA1 Hereditary Breast and Ovarian Cancer; OVARIAN CANCER, SUSCEPTIBILITY TO. Identifiers: Orphanet 145, MedGen C2676676, MONDO:0011450, OMIM 604370. Disease mechanism: loss of function.
Hereditary breast ovarian cancer syndrome. Also called: BRCA1- and BRCA2-Associated Hereditary Breast and Ovarian Cancer; Hereditary breast and ovarian cancer syndrome; Hereditary breast and ovarian cancer syndrome (HBOC); Breast and ovarian cancer; Hereditary breast and/or ovarian cancer syndrome; Hereditary breast and ovarian cancer. Identifiers: Orphanet 145, MedGen C0677776, MeSH D061325, MONDO:0003582. Disease mechanism: loss of function.

Submissions (7):

Dasa
Classification: Uncertain significance for Breast-ovarian cancer, familial, susceptibility to, 1. Last evaluated: 2025-12-16. Review status: criteria provided, single submitter. Criteria: DASA Assertion Criteria. Collection method: clinical testing. Allele origin: germline.
Comment: NM_007294.4(BRCA1):c.757G>A (p.Ala253Thr) is a missense variant that results in the substitution of alanine with threonine. This variant is rare in population databases. The currently available literature and clinical evidence are not sufficient to establish a definitive association between this variant and the reported condition. Therefore, this variant is classified as a variant of uncertain significance.

Ambry Genetics
Classification: Uncertain significance for Hereditary cancer-predisposing syndrome. Last evaluated: 2025-11-08. Review status: criteria provided, single submitter. Criteria: Ambry Variant Classification Scheme 2023. Collection method: clinical testing. Allele origin: germline.
Comment: The p.A253T variant (also known as c.757G>A), located in coding exon 9 of the BRCA1 gene, results from a G to A substitution at nucleotide position 757. The alanine at codon 253 is replaced by threonine, an amino acid with similar properties. This alteration was not observed in unselected male breast cancer patients and was observed with an allele frequency of 0.0001 in 12490 male controls of Japanese ancestry (Momozawa Y et al. Nat Commun, 2018 10;9:4083). In addition, this alteration has been reported with a carrier frequency of 0.00000 in 7636 unselected prostate cancer patients and 0.00008 in 12366 male controls of Japanese ancestry (Momozawa Y. J Natl Cancer Inst. 2020 Apr;112(4):369-376). This amino acid position is well conserved in available vertebrate species. The in silico prediction for this alteration is inconclusive. Since supporting evidence is limited at this time, the clinical significance of this alteration remains unclear.

Labcorp Genetics (formerly Invitae), Labcorp
Classification: Uncertain significance for Hereditary breast ovarian cancer syndrome. Last evaluated: 2024-02-15. Review status: criteria provided, single submitter. Criteria: Invitae Variant Classification Sherloc (09022015). Collection method: clinical testing. Allele origin: germline.
Comment: This sequence change replaces alanine, which is neutral and non-polar, with threonine, which is neutral and polar, at codon 253 of the BRCA1 protein (p.Ala253Thr). This variant is not present in population databases (gnomAD no frequency). This variant has not been reported in the literature in individuals affected with BRCA1-related conditions. ClinVar contains an entry for this variant (Variation ID: 55690). Advanced modeling of protein sequence and biophysical properties (such as structural, functional, and spatial information, amino acid conservation, physicochemical variation, residue mobility, and thermodynamic stability) performed at Invitae indicates that this missense variant is not expected to disrupt BRCA1 protein function with a negative predictive value of 95%. In summary, the available evidence is currently insufficient to determine the role of this variant in disease. Therefore, it has been classified as a Variant of Uncertain Significance.

University of Washington Department of Laboratory Medicine, University of Washington
Classification: Likely benign for Hereditary cancer-predisposing syndrome. Last evaluated: 2023-03-23. Review status: criteria provided, single submitter. Criteria: Dines et al. (Genet Med. 2020). Collection method: curation. Allele origin: germline.
Comment: Missense variant in a coldspot region where missense variants are very unlikely to be pathogenic (PMID:31911673).

BRCA1 coldspot (exon 11 using historical exon numbering). Reclassification based on statistical prior probability

Mendelics
Classification: Uncertain significance. Last evaluated: 2022-05-04. Review status: criteria provided, single submitter. Criteria: Mendelics Assertion Criteria 2019. Collection method: clinical testing. Allele origin: germline.

Color Diagnostics, LLC DBA Color Health
Classification: Uncertain significance for Hereditary cancer-predisposing syndrome. Last evaluated: 2021-12-15. Review status: criteria provided, single submitter. Criteria: ACMG Guidelines, 2015. Collection method: clinical testing. Allele origin: germline.
Comment: This missense variant replaces alanine with threonine at codon 253 of the BRCA1 protein. Computational prediction is inconclusive regarding the impact of this variant on protein structure and function (internally defined REVEL score threshold 0.5 < inconclusive < 0.7, PMID: 27666373). To our knowledge, functional studies have not been reported for this variant. This variant has been reported in breast, pancreatic and prostate cancer case-control studies in which it was detected in an unaffected individual in each study and found absent in cases (PMID: 30287823, 31214711, 32980694). This variant has not been identified in the general population by the Genome Aggregation Database (gnomAD). The available evidence is insufficient to determine the role of this variant in disease conclusively. Therefore, this variant is classified as a Variant of Uncertain Significance.

Breast Cancer Information Core (BIC) (BRCA1)
Classification: Uncertain significance for Breast-ovarian cancer, familial 1. Last evaluated: 1997-11-14. Review status: no assertion criteria provided. Collection method: clinical testing. Allele origin: germline. Affected: yes. Observed: 2 variant alleles. Not counted in ClinVar's aggregate classification.

Literature cited by the submitters: PubMed 30287823 (cited by Ambry Genetics and Color Diagnostics, LLC DBA Color Health); PubMed 31214711 (cited by Ambry Genetics and Color Diagnostics, LLC DBA Color Health); PubMed 32980694 (cited by Color Diagnostics, LLC DBA Color Health).

NM_007294.4(BRCA1):c.757G>A (p.Ala253Thr)

Gene: BRCA1 (BRCA1 DNA repair associated; minus strand). Cytogenetic location: 17q21.31.
Variant type: single nucleotide variant.
Coding change: c.757G>A on transcript NM_007294.4 (MANE Select); coding-DNA position 757, G replaced by A.
Protein change: p.Ala253Thr; replaces alanine 253 with threonine.
Molecular consequence: missense variant. On other transcripts: non-coding transcript variant (1).
Genome position (GRCh38, 1-based): chr17:43,094,774, C>T on the plus strand (G>A on the coding strand, the complement: BRCA1 is on the minus strand). VCF-style: chr17-43094774-C-T. GRCh37 (hg19) VCF-style: chr17-41246791-C-T.
Other names: c.634G>A, p.Ala212Thr (NM_001407669.1, NM_001407674.1, NM_001407675.1 and 34 more transcripts); c.631G>A, p.Ala211Thr (NM_001407670.1, NM_001407671.1, NM_001407672.1 and 20 more transcripts); c.757G>A, p.Ala253Thr (NM_001407684.1, NM_001407854.1, NM_001407858.1 and 54 more transcripts); c.616G>A, p.Ala206Thr (NM_001407692.1, NM_001407694.1, NM_001407695.1 and 43 more transcripts); c.613G>A, p.Ala205Thr (NM_001407740.1, NM_001407741.1, NM_001407742.1 and 26 more transcripts); c.544G>A, p.Ala182Thr (NM_001407853.1, NM_001407894.1, NM_001407895.1 and 12 more transcripts); c.754G>A, p.Ala252Thr (NM_001407860.1, NM_001407861.1, NM_001407972.1 and 38 more transcripts); c.556G>A, p.Ala186Thr (NM_001407862.1, NM_001408474.1, NM_001408476.1); and 14 more; short protein forms A253T, A206T, A141T, A142T, A164T, A183T, A227T, A125T.
Identifiers: ClinVar variation 55690 (VCV000055690.20), dbSNP rs80357293, ClinGen allele CA003852.
Genomic context (GRCh38, chr17:43,094,774, plus strand): 5'-GCTCCACATGCAAGTTTGAAACAGAACTACCCTGATACTTTTCTGGATGCCTCTCAGCTG[C>T]ACGCTTCTCAGTGGTGTTCAAATCATTATTACTGGGTTGATGATGTTCAGTATTTGTTAC-3'
Protein context (NP_009225.1, residues 243-263): NNDLNTTEKR[Ala253Thr]AERHPEKYQG